The following is an entry in ClinVar:

ClinVar aggregate classification (germline): Benign/Likely benign. Review status: criteria provided, multiple submitters, no conflicts (2 of 4 stars). 4 submissions from 4 submitters: Benign (1); Likely benign (3). Last evaluated 2025-04-02.

Conditions:
Cardiovascular phenotype. Identifiers: MedGen CN230736.
Arrhythmogenic cardiomyopathy with wooly hair and keratoderma. Also called: Carvajal syndrome; Dilated cardiomyopathy with woolly hair and keratoderma; Arrhythmogenic cardiomyopathy with woolly hair and keratoderma; PALMOPLANTAR KERATODERMA WITH LEFT VENTRICULAR CARDIOMYOPATHY AND WOOLLY HAIR. Identifiers: Orphanet 65282, MedGen C1854063, MONDO:0011581, OMIM 605676.
Arrhythmogenic right ventricular dysplasia 8 (ARVD8). Also called: Arrhythmogenic Right Ventricular Dysplasia/Cardiomyopathy 8; ARRHYTHMOGENIC RIGHT VENTRICULAR CARDIOMYOPATHY 8; ARRHYTHMOGENIC RIGHT VENTRICULAR DYSPLASIA, FAMILIAL, 8. Identifiers: MedGen C1843896, MONDO:0011831, OMIM 607450.
Cardiomyopathy (CMYO). Also called: Cardiomyopathies. Identifiers: Orphanet 167848, MedGen C0878544, MONDO:0004994, HP:0001638. Inheritance: Various modes of inheritance.

Allele frequency attached by ClinVar (database versions not stated): gnomAD exomes below 0.00001 and 0.00002; TOPMed 0.00001; ExAC 0.00002; ESP Exome Variant Server 0.00008.
gnomAD v4.1: 30 of 1,613,788 alleles (0.0019%); highest among the groups gnomAD compares: Non-Finnish European, 0.0024%; no homozygotes.

Submissions (4):

Labcorp Genetics (formerly Invitae), Labcorp
Classification: Likely benign for Arrhythmogenic cardiomyopathy with wooly hair and keratoderma; Arrhythmogenic right ventricular dysplasia 8. Last evaluated: 2025-04-02. Review status: criteria provided, single submitter. Criteria: Invitae Variant Classification Sherloc (09022015). Collection method: clinical testing. Allele origin: germline.

Ambry Genetics
Classification: Likely benign for Cardiovascular phenotype. Last evaluated: 2023-12-10. Review status: criteria provided, single submitter. Criteria: Ambry Variant Classification Scheme 2023. Collection method: clinical testing. Allele origin: germline.

Color Diagnostics, LLC DBA Color Health
Classification: Likely benign for Cardiomyopathy. Last evaluated: 2018-05-29. Review status: criteria provided, single submitter. Criteria: ACMG Guidelines, 2015. Collection method: clinical testing. Allele origin: germline.

GeneDx
Classification: Benign. Last evaluated: 2014-11-03. Review status: criteria provided, single submitter. Criteria: GeneDx Variant Classification (06012015). Collection method: clinical testing. Allele origin: germline. Affected: yes.
Comment: This variant is considered likely benign or benign based on one or more of the following criteria: it is a conservative change, it occurs at a poorly conserved position in the protein, it is predicted to be benign by multiple in silico algorithms, and/or has population frequency not consistent with disease.

NM_004415.4(DSP):c.3018A>G (p.Leu1006=)

Gene: DSP (desmoplakin; plus strand). Cytogenetic location: 6p24.3.
Variant type: single nucleotide variant.
Coding change: c.3018A>G on transcript NM_004415.4 (MANE Select); coding-DNA position 3018, A replaced by G.
Protein change: p.Leu1006=; no amino-acid change (leucine 1006 retained).
Molecular consequence: synonymous variant.
Genome position (GRCh38, 1-based): chr6:7,578,496, A>G. VCF-style: chr6-7578496-A-G. GRCh37 (hg19) VCF-style: chr6-7578729-A-G.
Other names: p.L1006L:CTA>CTG; c.3018A>G, p.Leu1006= (NM_001008844.3, NM_001319034.2); c.3018A>G (LRG_423t1).
Identifiers: ClinVar variation 199838 (VCV000199838.14), dbSNP rs375412541, ClinGen allele CA005717.
Genomic context (GRCh38, chr6:7,578,496, plus strand): 5'-TTTCTTTCTTTCCTTCCTTTTCTCCAAGGCTGCAGATGTTCATGCTCGGTACATTGAACT[A>G]CTTACAAGATCTGGAGACTATTACAGGTTCTTAAGTGAGATGCTGAAGAGTTTGGAAGAT-3'
Protein context (NP_004406.2, residues 996-1016): AADVHARYIE[Leu1006=]LTRSGDYYRF